The following is an entry in ClinVar:

ClinVar aggregate classification (germline): Pathogenic (1 of 4 stars; one submission).

Allele frequency attached by ClinVar (database versions not stated): gnomAD exomes 0.00001.
gnomAD v4.1: 3 of 1,572,436 alleles (0.00019%); highest among the groups gnomAD compares: East Asian, 0.0024%; no homozygotes.

Submission:

Labcorp Genetics (formerly Invitae), Labcorp
Classification: Pathogenic. Last evaluated: 2023-04-10. Review status: criteria provided, single submitter. Criteria: Invitae Variant Classification Sherloc (09022015). Collection method: clinical testing. Allele origin: germline.
Comment: This variant is not present in population databases (gnomAD no frequency). This sequence change creates a premature translational stop signal (p.Glu50*) in the SLC19A2 gene. It is expected to result in an absent or disrupted protein product. Loss-of-function variants in SLC19A2 are known to be pathogenic (PMID: 10391221, 10391223, 10874303). For these reasons, this variant has been classified as Pathogenic. This variant has not been reported in the literature in individuals affected with SLC19A2-related conditions.

Literature cited by the submitters: PubMed 10391221; PubMed 10391223; PubMed 10874303.

NM_006996.3(SLC19A2):c.148G>T (p.Glu50Ter)

Genes: SLC19A2 (solute carrier family 19 member 2; minus strand), LOC129931894 (ATAC-STARR-seq lymphoblastoid silent region 1546; plus strand). Cytogenetic location: 1q24.2.
Variant type: single nucleotide variant.
Coding change: c.148G>T on transcript NM_006996.3 (MANE Select); coding-DNA position 148, G replaced by T.
Protein change: p.Glu50Ter; replaces glutamic acid 50 with a stop codon.
Molecular consequence: nonsense.
Genome position (GRCh38, 1-based): chr1:169,485,619, C>A on the plus strand (G>T on the coding strand, the complement: SLC19A2 is on the minus strand). VCF-style: chr1-169485619-C-A. GRCh37 (hg19) VCF-style: chr1-169454857-C-A.
Other names: c.148G>T, p.Glu50Ter (NM_001319667.1); short protein forms E50*.
Identifiers: ClinVar variation 2854646 (VCV002854646.3), dbSNP rs2526274169, ClinGen allele CA343112183.